The following is an entry in ClinVar:

NM_020843.4(SCAPER):c.1461_1462insGTGGTATATCC (p.Met488fs)

Gene: SCAPER (S-phase cyclin A associated protein in the ER; minus strand). Cytogenetic location: 15q24.3.
Variant type: Insertion.
Coding change: c.1461_1462insGTGGTATATCC on transcript NM_020843.4 (MANE Select); coding-DNA positions 1461 to 1462, GTGGTATATCC inserted.
Protein change: p.Met488fs; shifts the reading frame from methionine 488.
Molecular consequence: frameshift variant. On other transcripts: non-coding transcript variant (1).
Genome position: GRCh38 VCF-style: chr15-76765596-T-TGGATATACCAC. GRCh37 (hg19) VCF-style: chr15-77057937-T-TGGATATACCAC.
Other names: c.723_724insGTGGTATATCC, p.Met242fs (NM_001145923.2); c.1479_1480insGTGGTATATCC, p.Met494fs (NM_001353009.2); c.1059_1060insGTGGTATATCC, p.Met354fs (NM_001353010.2, NM_001353012.2); c.1077_1078insGTGGTATATCC, p.Met360fs (NM_001353011.2); short protein forms M242fs, M354fs, M488fs, M494fs, M360fs.
Identifiers: ClinVar variation 3544437 (VCV003544437.1).

ClinVar aggregate classification (germline): Pathogenic (1 of 4 stars; one submission).

Conditions:
Intellectual developmental disorder and retinitis pigmentosa; IDDRP. Also called: INTELLECTUAL DEVELOPMENTAL DISORDER AND RETINITIS PIGMENTOSA. Identifiers: MedGen C4748658, MONDO:0032594, OMIM 618195.

Submission:

Lab De Baere, Eye and Developmental Genetics Lab, Ghent University
Classification: Pathogenic for Intellectual developmental disorder and retinitis pigmentosa; IDDRP. Last evaluated: 2024-10-01. Review status: criteria provided, single submitter. Criteria: ACMG Guidelines, 2015. Collection method: research. Allele origin: inherited. Affected: yes. Observed: 1 variant allele.
Comment: ACMG/AMP guidelines: PM2, PVS1, PM3_PP